The following is an entry in ClinVar:

ClinVar aggregate classification (germline): Conflicting classifications of pathogenicity. Review status: criteria provided, conflicting classifications (1 of 4 stars). 3 submissions from 3 submitters: Pathogenic (1); Likely pathogenic (1); Uncertain significance (1). Last evaluated 2025-09-29.

Conditions:
RYR1-related disorder. Also called: RYR1-related disorders; RYR1-related condition. Identifiers: MedGen CN239331.
Malignant hyperthermia, susceptibility to, 1 (MHS1). Also called: Malignant hyperthermia suceptibility 1; RYR1-Related Malignant Hyperthermia Susceptibility; Anesthesia related hyperthermia; Malignant hyperpyrexia; Fulminating hyperpyrexia; Pharmacogenic myopathy. Identifiers: Orphanet 423, MedGen C2930980, MONDO:0007783, OMIM 145600.

Allele frequency attached by ClinVar (database versions not stated): gnomAD exomes below 0.00001; gnomAD 0.00001; TOPMed 0.00001.
gnomAD v4.1: 3 of 1,609,636 alleles (0.00019%); highest among the groups gnomAD compares: Admixed American, 0.005%; no homozygotes.

Submissions (3):

GeneDx
Classification: Likely pathogenic. Last evaluated: 2025-09-29. Review status: criteria provided, single submitter. Criteria: GeneDx Variant Classification Process June 2021. Collection method: clinical testing. Allele origin: germline. Affected: yes.
Comment: Canonical splice site variant predicted to result in a null allele in a gene for which loss of function is a known mechanism of disease; Not observed in large population cohorts (gnomAD); Has not been previously published as pathogenic or benign to our knowledge

Labcorp Genetics (formerly Invitae), Labcorp
Classification: Pathogenic for RYR1-related disorder. Last evaluated: 2024-09-05. Review status: criteria provided, single submitter. Criteria: Invitae Variant Classification Sherloc (09022015). Collection method: clinical testing. Allele origin: germline.
Comment: This sequence change affects a donor splice site in intron 20 of the RYR1 gene. It is expected to disrupt RNA splicing. Variants that disrupt the donor or acceptor splice site typically lead to a loss of protein function (PMID: 16199547), and loss-of-function variants in RYR1 are known to be pathogenic (PMID: 23919265, 25960145, 28818389, 30611313). This variant is not present in population databases (gnomAD no frequency). Disruption of this splice site has been observed in individual(s) with clinical features of autosomal recessive RYR1-related conditions (internal data). In at least one individual the data is consistent with being in trans (on the opposite chromosome) from a pathogenic variant. ClinVar contains an entry for this variant (Variation ID: 835691). Algorithms developed to predict the effect of sequence changes on RNA splicing suggest that this variant may disrupt the consensus splice site. For these reasons, this variant has been classified as Pathogenic.

All of Us Research Program, National Institutes of Health
Classification: Uncertain significance for Malignant hyperthermia, susceptibility to, 1. Last evaluated: 2024-05-30. Review status: criteria provided, single submitter. Criteria: ACMG Guidelines, 2015. Collection method: clinical testing. Allele origin: germline. Inheritance: Autosomal dominant inheritance. Observed: 3 variant alleles, 3 heterozygotes.
Comment: This variant is located in the RYR1 protein. To our knowledge, functional studies have not been reported for this variant. This variant has not been reported in individuals affected with malignant hyperthermia susceptibility in the literature, although it is associated with autosomal recessive RYR1-related conditions (ClinVar variation ID: 835691). This variant has not been identified in the general population by the Genome Aggregation Database (gnomAD). The available evidence is insufficient to determine the role of this variant in autosomal dominant malignant hyperthermia susceptibility conclusively. Therefore, this variant is classified as a Variant of Uncertain Significance.

This study involves interpretation of variants in research participants for the purpose of population health screening. Participant phenotype was not available at the time of variant classification. Additional details can be found in publication PMID: 35346344, PMCID: PMC8962531

Literature cited by the submitters: PubMed 16199547 (cited by Labcorp Genetics (formerly Invitae), Labcorp); PubMed 23919265 (cited by Labcorp Genetics (formerly Invitae), Labcorp); PubMed 25960145 (cited by Labcorp Genetics (formerly Invitae), Labcorp); PubMed 28818389 (cited by Labcorp Genetics (formerly Invitae), Labcorp); PubMed 30611313 (cited by Labcorp Genetics (formerly Invitae), Labcorp).

NM_000540.3(RYR1):c.2577+1G>A

Gene: RYR1 (ryanodine receptor 1; plus strand). Cytogenetic location: 19q13.2.
Variant type: single nucleotide variant.
Coding change: c.2577+1G>A on transcript NM_000540.3 (MANE Select); the canonical splice donor site of the intron after coding-DNA position 2577, G replaced by A.
Molecular consequence: splice donor variant.
Genome position (GRCh38, 1-based): chr19:38,460,592, G>A. VCF-style: chr19-38460592-G-A. GRCh37 (hg19) VCF-style: chr19-38951232-G-A.
Other names: c.2577+1G>A (NM_001042723.2).
Identifiers: ClinVar variation 835691 (VCV000835691.11), dbSNP rs1416605332, ClinGen allele CA405630487.